The following is an entry in ClinVar:

ClinVar aggregate classification (germline): Uncertain significance (1 of 4 stars; one submission).

Conditions:
Hereditary cancer-predisposing syndrome. Also called: Hereditary Cancer Syndrome; Hereditary neoplastic syndrome; Neoplastic Syndromes, Hereditary; Tumor predisposition. Identifiers: Orphanet 140162, MedGen C0027672, MeSH D009386, MONDO:0015356.

Submission:

Ambry Genetics
Classification: Uncertain significance for Hereditary cancer-predisposing syndrome. Last evaluated: 2021-12-11. Review status: criteria provided, single submitter. Criteria: Ambry Variant Classification Scheme 2023. Collection method: clinical testing. Allele origin: germline.
Comment: The p.D144A variant (also known as c.431A>C), located in coding exon 3 of the NTHL1 gene, results from an A to C substitution at nucleotide position 431. The aspartic acid at codon 144 is replaced by alanine, an amino acid with dissimilar properties. This amino acid position is conserved. In addition, this alteration is predicted to be deleterious by in silico analysis. Since supporting evidence is limited at this time, the clinical significance of this alteration remains unclear.

NM_002528.7(NTHL1):c.407A>C (p.Asp136Ala)

Gene: NTHL1 (nth like DNA glycosylase 1; minus strand). Cytogenetic location: 16p13.3.
Variant type: single nucleotide variant.
Coding change: c.407A>C on transcript NM_002528.7 (MANE Select); coding-DNA position 407, A replaced by C.
Protein change: p.Asp136Ala; replaces aspartic acid 136 with alanine.
Molecular consequence: missense variant. On other transcripts: intron variant (1).
Genome position (GRCh38, 1-based): chr16:2,044,748, T>G on the plus strand (A>C on the coding strand, the complement: NTHL1 is on the minus strand). VCF-style: chr16-2044748-T-G. GRCh37 (hg19) VCF-style: chr16-2094749-T-G.
Other names: c.77A>C, p.Asp26Ala (NM_001318194.2); c.355-1022A>C (NM_001318193.2); short protein forms D26A, D136A.
Identifiers: ClinVar variation 1739677 (VCV001739677.2), dbSNP rs2548316369, ClinGen allele CA394294514.
Genomic context (GRCh38, chr16:2,044,748, plus strand): 5'-ATGCTGTCCACCGTCAGGCCCCGCGCCCGCAGTCGCTGCATGGCGCCCGCCGTCACCTGG[T>G]CTTTGGTTTGGCTGGAGAGCATCAGTGACAGCAGCACCTGGTACCTGCGTACCTGCTTGT-3'
Protein context (NP_002519.2, residues 126-146): LSLMLSSQTK[Asp136Ala]QVTAGAMQRL